The following is an entry in ClinVar:

ClinVar aggregate classification (germline): Uncertain significance. Review status: criteria provided, multiple submitters, no conflicts (2 of 4 stars). 2 submissions from 2 submitters: Uncertain significance (2). Last evaluated 2024-09-12.

Conditions:
Inborn genetic diseases. Identifiers: MedGen C0950123, MeSH D030342.

Allele frequency attached by ClinVar (database versions not stated): gnomAD 0.00001; gnomAD exomes 0.00001; ExAC 0.00002.
gnomAD v4.1: 6 of 1,598,388 alleles (0.00038%); highest among the groups gnomAD compares: African/African-American, 0.0013%; no homozygotes.

Submissions (2):

Ambry Genetics
Classification: Uncertain significance for Inborn genetic diseases. Last evaluated: 2024-09-12. Review status: criteria provided, single submitter. Criteria: Ambry Variant Classification Scheme 2023. Collection method: clinical testing. Allele origin: germline.

Labcorp Genetics (formerly Invitae), Labcorp
Classification: Uncertain significance. Last evaluated: 2022-07-12. Review status: criteria provided, single submitter. Criteria: Invitae Variant Classification Sherloc (09022015). Collection method: clinical testing. Allele origin: germline.
Comment: Algorithms developed to predict the effect of missense changes on protein structure and function are either unavailable or do not agree on the potential impact of this missense change (SIFT: "Tolerated"; PolyPhen-2: "Not Available"; Align-GVGD: "Class C0"). ClinVar contains an entry for this variant (Variation ID: 1426459). This variant has not been reported in the literature in individuals affected with PCLO-related conditions. This variant is present in population databases (rs765509821, gnomAD 0.008%). This sequence change replaces serine, which is neutral and polar, with threonine, which is neutral and polar, at codon 61 of the PCLO protein (p.Ser61Thr). In summary, the available evidence is currently insufficient to determine the role of this variant in disease. Therefore, it has been classified as a Variant of Uncertain Significance.

NM_033026.6(PCLO):c.181T>A (p.Ser61Thr)

Gene: PCLO (piccolo presynaptic cytomatrix protein; minus strand). Cytogenetic location: 7q21.11.
Variant type: single nucleotide variant.
Coding change: c.181T>A on transcript NM_033026.6 (MANE Select); coding-DNA position 181, T replaced by A.
Protein change: p.Ser61Thr; replaces serine 61 with threonine.
Molecular consequence: missense variant.
Genome position (GRCh38, 1-based): chr7:83,162,412, A>T on the plus strand (T>A on the coding strand, the complement: PCLO is on the minus strand). VCF-style: chr7-83162412-A-T. GRCh37 (hg19) VCF-style: chr7-82791728-A-T.
Other names: c.181T>A, p.Ser61Thr (NM_014510.3); c.181T>A (NM_033026.5); short protein forms S61T.
Identifiers: ClinVar variation 1426459 (VCV001426459.7), dbSNP rs765509821, ClinGen allele CA4321740.
Genomic context (GRCh38, chr7:83,162,412, plus strand): 5'-TGGAAGGCGACTCCGCAGCGGCCGGGGGGACGCTTCCCTTGGGCAGCCCCTGCGCCCTTG[A>T]CATGACAGCGGCGATCTGTCTCCTCTCCTCTTCGCTCAGCTGGCTCAAATCCGCCTCCAT-3'
Protein context (NP_149015.2, residues 51-71): EERRQIAAVM[Ser61Thr]RAQGLPKGSV